The following is an entry in ClinVar:

NM_182916.3(TRNT1):c.1073C>T (p.Ala358Val)

Gene: TRNT1 (tRNA nucleotidyl transferase 1; plus strand). Cytogenetic location: 3p26.2.
Variant type: single nucleotide variant.
Coding change: c.1073C>T on transcript NM_182916.3 (MANE Select); coding-DNA position 1073, C replaced by T.
Protein change: p.Ala358Val; replaces alanine 358 with valine.
Molecular consequence: missense variant. On other transcripts: non-coding transcript variant (8).
Genome position (GRCh38, 1-based): chr3:3,147,922, C>T. VCF-style: chr3-3147922-C-T. GRCh37 (hg19) VCF-style: chr3-3189606-C-T.
Other names: c.1013C>T, p.Ala338Val (NM_001302946.2); c.1073C>T, p.Ala358Val (NM_001367321.1, NM_001367322.1, NM_001367323.1); short protein forms A338V, A358V.
Identifiers: ClinVar variation 3711907 (VCV003711907.2).
Genomic context (GRCh38, chr3:3,147,922, plus strand): 5'-GTTTTCATGTGTGACGAAACTAAATGTTTGATTTTGACACGTAGTCTAGGGAACCTGATG[C>T]AACTACTCGTGTATGTGAACTACTGAAGTACCAAGGAGAGCACTGTCTCCTAAAGGAAAT-3'
Protein context (NP_886552.3, residues 348-368): DFIIDSREPD[Ala358Val]TTRVCELLKY

ClinVar aggregate classification (germline): Uncertain significance (1 of 4 stars; one submission).

Conditions:
Congenital sideroblastic anemia-B-cell immunodeficiency-periodic fever-developmental delay syndrome. Also called: Sideroblastic anemia with B-cell immunodeficiency, periodic fevers, and developmental delay. Identifiers: Orphanet 369861, MedGen C4015172, MONDO:0014487, OMIM 616084.

gnomAD v4.1: 1 of 1,612,162 alleles (0.000062%); highest among the groups gnomAD compares: African/African-American, 0.0013%; no homozygotes.

Submission:

Labcorp Genetics (formerly Invitae), Labcorp
Classification: Uncertain significance for Congenital sideroblastic anemia-B-cell immunodeficiency-periodic fever-developmental delay syndrome. Last evaluated: 2024-08-29. Review status: criteria provided, single submitter. Criteria: Invitae Variant Classification Sherloc (09022015). Collection method: clinical testing. Allele origin: germline.
Comment: This sequence change replaces alanine, which is neutral and non-polar, with valine, which is neutral and non-polar, at codon 358 of the TRNT1 protein (p.Ala358Val). This variant is not present in population databases (gnomAD no frequency). This variant has not been reported in the literature in individuals affected with TRNT1-related conditions. Invitae Evidence Modeling of protein sequence and biophysical properties (such as structural, functional, and spatial information, amino acid conservation, physicochemical variation, residue mobility, and thermodynamic stability) indicates that this missense variant is not expected to disrupt TRNT1 protein function with a negative predictive value of 80%. In summary, the available evidence is currently insufficient to determine the role of this variant in disease. Therefore, it has been classified as a Variant of Uncertain Significance.